The following is an entry in ClinVar:

ClinVar aggregate classification (germline): Uncertain significance (1 of 4 stars; one submission).

Submission:

Labcorp Genetics (formerly Invitae), Labcorp
Classification: Uncertain significance. Last evaluated: 2025-08-13. Review status: criteria provided, single submitter. Criteria: Invitae Variant Classification Sherloc (09022015). Collection method: clinical testing. Allele origin: germline.
Comment: This sequence change replaces proline, which is neutral and non-polar, with leucine, which is neutral and non-polar, at codon 190 of the COL4A1 protein (p.Pro190Leu). This variant is present in population databases (rs765845645, gnomAD 0.003%). This variant has not been reported in the literature in individuals affected with COL4A1-related conditions. Invitae Evidence Modeling of protein sequence and biophysical properties (such as structural, functional, and spatial information, amino acid conservation, physicochemical variation, residue mobility, and thermodynamic stability) indicates that this missense variant is not expected to disrupt COL4A1 protein function with a negative predictive value of 95%. In summary, the available evidence is currently insufficient to determine the role of this variant in disease. Therefore, it has been classified as a Variant of Uncertain Significance.

NM_001845.6(COL4A1):c.569C>T (p.Pro190Leu)

Gene: COL4A1 (collagen type IV alpha 1 chain; minus strand). Cytogenetic location: 13q34.
Variant type: single nucleotide variant.
Coding change: c.569C>T on transcript NM_001845.6 (MANE Select); coding-DNA position 569, C replaced by T.
Protein change: p.Pro190Leu; replaces proline 190 with leucine.
Molecular consequence: missense variant.
Genome position (GRCh38, 1-based): chr13:110,210,026, G>A on the plus strand (C>T on the coding strand, the complement: COL4A1 is on the minus strand). VCF-style: chr13-110210026-G-A. GRCh37 (hg19) VCF-style: chr13-110862373-G-A.
Other names: c.569C>T, p.Pro190Leu (NM_001303110.2); short protein forms P190L.
Identifiers: ClinVar variation 4705607 (VCV004705607.1).